The following is an entry in ClinVar:

NM_004082.5(DCTN1):c.70G>T (p.Ala24Ser)

Gene: DCTN1 (dynactin subunit 1; minus strand). Cytogenetic location: 2p13.1.
Variant type: single nucleotide variant.
Coding change: c.70G>T on transcript NM_004082.5 (MANE Select); coding-DNA position 70, G replaced by T.
Protein change: p.Ala24Ser; replaces alanine 24 with serine.
Molecular consequence: missense variant. On other transcripts: non-coding transcript variant (1).
Genome position (GRCh38, 1-based): chr2:74,378,209, C>A on the plus strand (G>T on the coding strand, the complement: DCTN1 is on the minus strand). VCF-style: chr2-74378209-C-A. GRCh37 (hg19) VCF-style: chr2-74605336-C-A.
Other names: c.70G>T, p.Ala24Ser (NM_001135040.3, NM_001190837.2); c.19G>T, p.Ala7Ser (NM_001190836.2, NM_001378991.1, NM_001378992.1); short protein forms A24S, A7S.
Identifiers: ClinVar variation 2155724 (VCV002155724.5), dbSNP rs372733713, ClinGen allele CA1722609.

ClinVar aggregate classification (germline): Uncertain significance. Review status: criteria provided, multiple submitters, no conflicts (2 of 4 stars). 2 submissions from 2 submitters: Uncertain significance (2). Last evaluated 2025-01-16.

Conditions:
Amyotrophic lateral sclerosis type 1 (ALS1). Also called: AMYOTROPHIC LATERAL SCLEROSIS 1, FAMILIAL. Identifiers: Orphanet 803, MedGen C1862939, MONDO:0007103, OMIM 105400.
Neuronopathy, distal hereditary motor, type 7B. Also called: Distal Hereditary Motor Neuronopathy Type 7B (dHMN7B); HMN VIIB; LOWER MOTOR NEURON DISEASE, DYNACTIN TYPE; NEURONOPATHY, DISTAL HEREDITARY MOTOR, AUTOSOMAL DOMINANT 14; NEURONOPATHY, DISTAL HEREDITARY MOTOR, HARDING TYPE VIIB; NEUROPATHY, DISTAL HEREDITARY MOTOR, HARDING TYPE VIIB. Identifiers: Orphanet 139589, MedGen C1843315, MONDO:0011879, OMIM 607641.
Perry syndrome. Also called: PARKINSONISM WITH ALVEOLAR HYPOVENTILATION AND MENTAL DEPRESSION. Identifiers: Orphanet 178509, MedGen C1868594, MONDO:0008201, OMIM 168605.
Inborn genetic diseases. Identifiers: MedGen C0950123, MeSH D030342.

Allele frequency attached by ClinVar (database versions not stated): ESP Exome Variant Server 0.00015.

Submissions (2):

Ambry Genetics
Classification: Uncertain significance for Inborn genetic diseases. Last evaluated: 2025-01-16. Review status: criteria provided, single submitter. Criteria: Ambry Variant Classification Scheme 2023. Collection method: clinical testing. Allele origin: germline.

Labcorp Genetics (formerly Invitae), Labcorp
Classification: Uncertain significance for Amyotrophic lateral sclerosis type 1; Neuronopathy, distal hereditary motor, type 7B; Perry syndrome. Last evaluated: 2022-05-01. Review status: criteria provided, single submitter. Criteria: Invitae Variant Classification Sherloc (09022015). Collection method: clinical testing. Allele origin: germline.
Comment: In summary, the available evidence is currently insufficient to determine the role of this variant in disease. Therefore, it has been classified as a Variant of Uncertain Significance. Algorithms developed to predict the effect of missense changes on protein structure and function output the following: SIFT: "Tolerated"; PolyPhen-2: "Benign"; Align-GVGD: "Class C0". The serine amino acid residue is found in multiple mammalian species, which suggests that this missense change does not adversely affect protein function. This variant has not been reported in the literature in individuals affected with DCTN1-related conditions. This variant is present in population databases (rs372733713, gnomAD 0.007%). This sequence change replaces alanine, which is neutral and non-polar, with serine, which is neutral and polar, at codon 24 of the DCTN1 protein (p.Ala24Ser).